The following is an entry in ClinVar:

ClinVar aggregate classification (germline): Pathogenic/Likely pathogenic. Review status: criteria provided, multiple submitters, no conflicts (2 of 4 stars). 3 submissions from 3 submitters: Pathogenic (1); Likely pathogenic (1). 1 of the submissions does not count toward it. Last evaluated 2025-06-20.

Conditions:
Familial aortopathy. Identifiers: MedGen CN078214.
Ehlers-Danlos syndrome, type 4 (EDSVASC). Also called: Ehlers-Danlos syndrome vascular type; Ehlers Danlos syndrome, ecchymotic type; Ehlers Danlos syndrome, arterial type; Ehlers Danlos syndrome, Sack-Barabas type; Ehlers-Danlos Syndrome Type IV. Identifiers: Orphanet 286, MedGen C0268338, MONDO:0017314, OMIM 130050.

Submissions (3):

Women's Health and Genetics/Laboratory Corporation of America, LabCorp
Classification: Likely pathogenic for Familial aortopathy. Last evaluated: 2025-06-20. Review status: criteria provided, single submitter. Criteria: LabCorp Variant Classification Summary - May 2015. Collection method: clinical testing. Allele origin: germline.
Comment: Variant summary: COL3A1 c.3347G>T (p.Gly1116Val) results in a non-conservative amino acid change within the triple-helical region (PMID: 31075413) in the encoded protein sequence. This missense variant disrupts a critical glycine residue at position 1 of a Gly-X-Y repeat in the collagenous domain of COL3A1, and variants affecting these glycine residues are significantly enriched in individuals with COL3A1-related Ehlers-Danlos syndrome (Pepin_2014). Algorithms developed to predict the effect of missense changes on protein structure and function all suggest that this variant is likely to be disruptive. The variant was absent in 247868 control chromosomes. c.3347G>T has been observed in at-least one individual affected with Ehlers-Danlos syndrome (Pepin_2014). To our knowledge, no experimental evidence demonstrating an impact on protein function has been reported. The following publication has been ascertained in the context of this evaluation (PMID: 24922459). ClinVar contains an entry for this variant (Variation ID: 101133). Based on the evidence outlined above, the variant was classified as likely pathogenic.

GeneDx
Classification: Pathogenic. Last evaluated: 2024-06-10. Review status: criteria provided, single submitter. Criteria: GeneDx Variant Classification Process June 2021. Collection method: clinical testing. Allele origin: germline. Affected: yes.
Comment: Identified in a patient with vascular Ehlers-Danlos syndrome in the published literature, however detailed clinical information was not provided (PMID: 24922459); Occurs in the triple helical domain and replaces the glycine in the canonical Gly-X-Y repeat; missense substitution of a canonical glycine residue is expected to disrupt normal protein folding and function, and this is an established mechanism of disease (HGMD); Not observed at significant frequency in large population cohorts (gnomAD); In silico analysis supports that this missense variant has a deleterious effect on protein structure/function; This variant is associated with the following publications: (PMID: 24922459)

Collagen Diagnostic Laboratory, University of Washington
Classification: Pathogenic for Ehlers-Danlos syndrome, type 4. Review status: no assertion criteria provided. Collection method: clinical testing. Allele origin: germline. Affected: yes. Not counted in ClinVar's aggregate classification.

Literature cited by the submitters: PubMed 24922459 (cited by Women's Health and Genetics/Laboratory Corporation of America, LabCorp).

NM_000090.4(COL3A1):c.3347G>T (p.Gly1116Val)

Gene: COL3A1 (collagen type III alpha 1 chain; plus strand). Cytogenetic location: 2q32.2.
Variant type: single nucleotide variant.
Coding change: c.3347G>T on transcript NM_000090.4 (MANE Select); coding-DNA position 3347, G replaced by T.
Protein change: p.Gly1116Val; replaces glycine 1116 with valine.
Molecular consequence: missense variant.
Genome position (GRCh38, 1-based): chr2:189,007,591, G>T. VCF-style: chr2-189007591-G-T. GRCh37 (hg19) VCF-style: chr2-189872317-G-T.
Identifiers: ClinVar variation 101133 (VCV000101133.4), dbSNP rs587779445, ClinGen allele CA006333.